The following is an entry in ClinVar:

ClinVar aggregate classification (germline): Uncertain significance (1 of 4 stars; one submission).

Allele frequency attached by ClinVar (database versions not stated): gnomAD exomes below 0.00001.
gnomAD v4.1: 1 of 1,614,238 alleles (0.000062%); highest among the groups gnomAD compares: Non-Finnish European, 0.000085%; no homozygotes.

Submission:

GeneDx
Classification: Uncertain significance. Last evaluated: 2022-07-08. Review status: criteria provided, single submitter. Criteria: GeneDx Variant Classification Process June 2021. Collection method: clinical testing. Allele origin: germline. Affected: yes.
Comment: Not observed at significant frequency in large population cohorts (gnomAD); In silico analysis supports that this missense variant has a deleterious effect on protein structure/function; Has not been previously published as pathogenic or benign to our knowledge; This variant is associated with the following publications: (PMID: 26100331, 25609763, 25512093)

NM_001376.5(DYNC1H1):c.6877G>A (p.Gly2293Ser)

Gene: DYNC1H1 (dynein cytoplasmic 1 heavy chain 1; plus strand). Cytogenetic location: 14q32.31.
Variant type: single nucleotide variant.
Coding change: c.6877G>A on transcript NM_001376.5 (MANE Select); coding-DNA position 6877, G replaced by A.
Protein change: p.Gly2293Ser; replaces glycine 2293 with serine.
Molecular consequence: missense variant.
Genome position (GRCh38, 1-based): chr14:102,012,333, G>A. VCF-style: chr14-102012333-G-A. GRCh37 (hg19) VCF-style: chr14-102478670-G-A.
Other names: short protein forms G2293S.
Identifiers: ClinVar variation 1810465 (VCV001810465.1), dbSNP rs2503757715, ClinGen allele CA391058458.